The following is an entry in ClinVar:

NM_145259.3(ACVR1C):c.600A>C (p.Ile200=)

Gene: ACVR1C (activin A receptor type 1C; minus strand). Cytogenetic location: 2q24.1.
Variant type: single nucleotide variant.
Coding change: c.600A>C on transcript NM_145259.3 (MANE Select); coding-DNA position 600, A replaced by C.
Protein change: p.Ile200=; no amino-acid change (isoleucine 200 retained).
Molecular consequence: synonymous variant. On other transcripts: intron variant (1).
Genome position (GRCh38, 1-based): chr2:157,550,337, T>G on the plus strand (A>C on the coding strand, the complement: ACVR1C is on the minus strand). VCF-style: chr2-157550337-T-G. GRCh37 (hg19) VCF-style: chr2-158406849-T-G.
Other names: c.450A>C, p.Ile150= (NM_001111031.2); c.360A>C, p.Ile120= (NM_001111032.2); c.305-5725A>C (NM_001111033.2).
Identifiers: ClinVar variation 775762 (VCV000775762.7), dbSNP rs77124201, ClinGen allele CA1918761.

ClinVar aggregate classification (germline): Benign. Review status: criteria provided, multiple submitters, no conflicts (2 of 4 stars). 3 submissions from 3 submitters: Benign (2). 1 of the submissions does not count toward it. Last evaluated 2019-12-31.

Conditions:
ACVR1C-related disorder. Also called: ACVR1C-related condition.

Allele frequency attached by ClinVar (database versions not stated): gnomAD exomes 0.00392; ExAC 0.00472; gnomAD 0.01520 and 0.01624; 1000 Genomes Project 0.01697; ESP Exome Variant Server 0.01738; TOPMed 0.01767; 1000 Genomes Project 30x 0.01843.
gnomAD v4.1: 4,457 of 1,614,148 alleles (0.28%); highest among the groups gnomAD compares: African/African-American, 5.3%; 134 homozygotes.

Submissions (3):

Labcorp Genetics (formerly Invitae), Labcorp
Classification: Benign. Last evaluated: 2019-12-31. Review status: criteria provided, single submitter. Criteria: Invitae Variant Classification Sherloc (09022015). Collection method: clinical testing. Allele origin: germline.

Breakthrough Genomics
Classification: Benign. Review status: criteria provided, single submitter. Criteria: ACMG Guidelines, 2015. Collection method: not provided. Allele origin: germline. Inheritance: Unknown mechanism. Affected: yes.

PreventionGenetics, part of Exact Sciences
Classification: Benign for ACVR1C-related condition. Last evaluated: 2019-08-13. Review status: no assertion criteria provided. Collection method: clinical testing. Allele origin: germline. Not counted in ClinVar's aggregate classification.
Comment: This variant is classified as benign based on ACMG/AMP sequence variant interpretation guidelines (Richards et al. 2015 PMID: 25741868, with internal and published modifications).